The following is an entry in ClinVar:

NC_012920.1(MT-CO1):m.7257A>G

Gene: MT-CO1 (mitochondrially encoded cytochrome c oxidase I; plus strand).
Variant type: single nucleotide variant.
Genome position: chrM-7257-A-G.
Identifiers: ClinVar variation 692721 (VCV000692721.1), dbSNP rs1603220854, ClinGen allele CA414792117.

ClinVar aggregate classification (germline): Benign (1 of 4 stars; one submission).

Conditions:
Leigh syndrome (NULS). Also called: Leigh's necrotizing encephalopathy; Leigh's disease; Leigh Syndrome (mtDNA deletion); Leigh Disease; Subacute necrotizing encephalopathy; Necrotizing encephalopathy infantile subacute of Leigh. Identifiers: Orphanet 506, MedGen C2931891, MONDO:0009723, OMIM 256000.

Submission:

Wong Mito Lab, Molecular and Human Genetics, Baylor College of Medicine
Classification: Benign for Leigh syndrome. Last evaluated: 2019-10-17. Review status: criteria provided, single submitter. Criteria: Modified ACMG Guidelines (Unpublished). Collection method: clinical testing. Allele origin: germline.
Comment: The NC_012920.1:m.7257A>G (YP_003024028.1:p.Ile452Val) variant in MTCO1 gene is interpretated to be a Benign variant based on the modified ACMG guidelines (unpublished). This variant meets the following evidence codes: BS1, BS2, BP4